The following is an entry in ClinVar:

ClinVar aggregate classification (germline): Uncertain significance. Review status: criteria provided, single submitter (1 of 4 stars). 2 submissions from 2 submitters: Uncertain significance (1). 1 of the submissions does not count toward it. Last evaluated 2025-05-18.

Conditions:
CSF3R-related disorder. Also called: CSF3R-related condition.
Autosomal recessive severe congenital neutropenia due to CSF3R deficiency. Also called: Neutropenia, severe congenital, 7, autosomal recessive. Identifiers: Orphanet 420702, MedGen C4310764, MONDO:0014865, OMIM 617014.

Allele frequency attached by ClinVar (database versions not stated): ExAC 0.00001.

Submissions (2):

Labcorp Genetics (formerly Invitae), Labcorp
Classification: Uncertain significance for Autosomal recessive severe congenital neutropenia due to CSF3R deficiency. Last evaluated: 2025-05-18. Review status: criteria provided, single submitter. Criteria: Invitae Variant Classification Sherloc (09022015). Collection method: clinical testing. Allele origin: germline.
Comment: This sequence change replaces serine, which is neutral and polar, with arginine, which is basic and polar, at codon 394 of the CSF3R protein (p.Ser394Arg). This variant is present in population databases (rs775126057, gnomAD 0.0009%). This variant has not been reported in the literature in individuals affected with CSF3R-related conditions. ClinVar contains an entry for this variant (Variation ID: 1914405). Invitae Evidence Modeling of protein sequence and biophysical properties (such as structural, functional, and spatial information, amino acid conservation, physicochemical variation, residue mobility, and thermodynamic stability) indicates that this missense variant is not expected to disrupt CSF3R protein function with a negative predictive value of 80%. In summary, the available evidence is currently insufficient to determine the role of this variant in disease. Therefore, it has been classified as a Variant of Uncertain Significance.

PreventionGenetics, part of Exact Sciences
Classification: Uncertain significance for CSF3R-related condition. Last evaluated: 2024-06-20. Review status: no assertion criteria provided. Collection method: clinical testing. Allele origin: germline. Not counted in ClinVar's aggregate classification.
Comment: The CSF3R c.1182C>G variant is predicted to result in the amino acid substitution p.Ser394Arg. To our knowledge, this variant has not been reported in the literature. This variant is reported in 0.00088% of alleles in individuals of European (Non-Finnish) descent in gnomAD. At this time, the clinical significance of this variant is uncertain due to the absence of conclusive functional and genetic evidence.

NM_000760.4(CSF3R):c.1182C>G (p.Ser394Arg)

Gene: CSF3R (colony stimulating factor 3 receptor; minus strand). Cytogenetic location: 1p34.3.
Variant type: single nucleotide variant.
Coding change: c.1182C>G on transcript NM_000760.4 (MANE Select); coding-DNA position 1182, C replaced by G.
Protein change: p.Ser394Arg; replaces serine 394 with arginine.
Molecular consequence: missense variant.
Genome position (GRCh38, 1-based): chr1:36,471,536, G>C on the plus strand (C>G on the coding strand, the complement: CSF3R is on the minus strand). VCF-style: chr1-36471536-G-C. GRCh37 (hg19) VCF-style: chr1-36937137-G-C.
Other names: c.1182C>G (NM_000760.3); c.1182C>G, p.Ser394Arg (NM_156039.3, NM_172313.3); short protein forms S394R.
Identifiers: ClinVar variation 1914405 (VCV001914405.6), dbSNP rs775126057, ClinGen allele CA769264.
Genomic context (GRCh38, chr1:36,471,536, plus strand): 5'-GGCTGAGTTATAGGCCACAAGGGCCACCTCCTGGGCTTCTGAAGGCAGGTGGAAGGTGCA[G>C]CTGAGCTCTGTGGTGTTGCAGAGGGGCAGGATGGCCCCAGCCTGGCCTGAGGGTCTCCAA-3'
Protein context (NP_000751.1, residues 384-404): ILPLCNTTEL[Ser394Arg]CTFHLPSEAQ